The following is an entry in ClinVar:

NM_002202.3(ISL1):c.458C>A (p.Ala153Glu)

Gene: ISL1 (ISL LIM homeobox 1; plus strand). Cytogenetic location: 5q11.1.
Variant type: single nucleotide variant.
Coding change: c.458C>A on transcript NM_002202.3 (MANE Select); coding-DNA position 458, C replaced by A.
Protein change: p.Ala153Glu; replaces alanine 153 with glutamic acid.
Molecular consequence: missense variant.
Genome position (GRCh38, 1-based): chr5:51,387,729, C>A. VCF-style: chr5-51387729-C-A. GRCh37 (hg19) VCF-style: chr5-50683563-C-A.
Other names: short protein forms A153E.
Identifiers: ClinVar variation 4997038 (VCV004997038.1).

ClinVar aggregate classification (germline): Uncertain significance (1 of 4 stars; one submission).

Conditions:
ISL1-related disorder. Also called: ISL1-related condition.

Submission:

PreventionGenetics, part of Exact Sciences
Classification: Uncertain significance for ISL1-related condition. Last evaluated: 2024-12-14. Review status: criteria provided, single submitter. Criteria: ACMG Guidelines, 2015. Collection method: clinical testing. Allele origin: germline.
Comment: The ISL1 c.458C>A variant is predicted to result in the amino acid substitution p.Ala153Glu. To our knowledge, this variant has not been reported in the literature or in a large population database (gnomAD), indicating this variant is rare. At this time, the clinical significance of this variant is uncertain due to the absence of conclusive functional and genetic evidence.